The following is an entry in ClinVar:

NM_000393.5(COL5A2):c.960+4A>G

Gene: COL5A2 (collagen type V alpha 2 chain; minus strand). Cytogenetic location: 2q32.2.
Variant type: single nucleotide variant.
Coding change: c.960+4A>G on transcript NM_000393.5 (MANE Select); 4 bases into the intron after coding-DNA position 960, A replaced by G.
Molecular consequence: intron variant.
Genome position (GRCh38, 1-based): chr2:189,079,974, T>C on the plus strand (A>G on the coding strand, the complement: COL5A2 is on the minus strand). VCF-style: chr2-189079974-T-C. GRCh37 (hg19) VCF-style: chr2-189944700-T-C.
Identifiers: ClinVar variation 3764103 (VCV003764103.2).

ClinVar aggregate classification (germline): Uncertain significance (1 of 4 stars; one submission).

gnomAD v4.1: 3 of 1,611,148 alleles (0.00019%); highest among the groups gnomAD compares: South Asian, 0.0011%; no homozygotes.

Submission:

GeneDx
Classification: Uncertain significance. Last evaluated: 2025-06-25. Review status: criteria provided, single submitter. Criteria: GeneDx Variant Classification Process June 2021. Collection method: clinical testing. Allele origin: germline.
Comment: Has not been previously published as pathogenic or benign to our knowledge; Not observed at significant frequency in large population cohorts (gnomAD); In silico analysis is inconclusive as to whether the variant alters gene splicing. In the absence of RNA/functional studies, the actual effect of this sequence change is unknown.